The following is an entry in ClinVar:

NM_020461.4(TUBGCP6):c.2291A>G (p.Tyr764Cys)

Gene: TUBGCP6 (tubulin gamma complex component 6; minus strand). Cytogenetic location: 22q13.33.
Variant type: single nucleotide variant.
Coding change: c.2291A>G on transcript NM_020461.4 (MANE Select); coding-DNA position 2291, A replaced by G.
Protein change: p.Tyr764Cys; replaces tyrosine 764 with cysteine.
Molecular consequence: missense variant.
Genome position (GRCh38, 1-based): chr22:50,222,572, T>C on the plus strand (A>G on the coding strand, the complement: TUBGCP6 is on the minus strand). VCF-style: chr22-50222572-T-C. GRCh37 (hg19) VCF-style: chr22-50661001-T-C.
Other names: short protein forms Y764C.
Identifiers: ClinVar variation 1485325 (VCV001485325.8), dbSNP rs772819279, ClinGen allele CA10308268.

ClinVar aggregate classification (germline): Uncertain significance (1 of 4 stars; one submission).

Allele frequency attached by ClinVar (database versions not stated): gnomAD exomes below 0.00001 and 0.00001; ExAC 0.00001.
gnomAD v4.1: 3 of 1,612,418 alleles (0.00019%); highest among the groups gnomAD compares: Non-Finnish European, 0.00025%; no homozygotes.

Submission:

Labcorp Genetics (formerly Invitae), Labcorp
Classification: Uncertain significance. Last evaluated: 2025-03-17. Review status: criteria provided, single submitter. Criteria: Invitae Variant Classification Sherloc (09022015). Collection method: clinical testing. Allele origin: germline.
Comment: This sequence change replaces tyrosine, which is neutral and polar, with cysteine, which is neutral and slightly polar, at codon 764 of the TUBGCP6 protein (p.Tyr764Cys). This variant is present in population databases (rs772819279, gnomAD 0.0009%). This variant has not been reported in the literature in individuals affected with TUBGCP6-related conditions. ClinVar contains an entry for this variant (Variation ID: 1485325). An algorithm developed to predict the effect of missense changes on protein structure and function (PolyPhen-2) suggests that this variant is likely to be tolerated. In summary, the available evidence is currently insufficient to determine the role of this variant in disease. Therefore, it has been classified as a Variant of Uncertain Significance.